The following is an entry in ClinVar:

NM_001093.4(ACACB):c.1491C>T (p.His497=)

Gene: ACACB (acetyl-CoA carboxylase beta; plus strand). Cytogenetic location: 12q24.11.
Variant type: single nucleotide variant.
Coding change: c.1491C>T on transcript NM_001093.4 (MANE Select); coding-DNA position 1491, C replaced by T.
Protein change: p.His497=; no amino-acid change (histidine 497 retained).
Molecular consequence: synonymous variant.
Genome position (GRCh38, 1-based): chr12:109,179,141, C>T. VCF-style: chr12-109179141-C-T. GRCh37 (hg19) VCF-style: chr12-109616946-C-T.
Other names: c.1491C>T, p.His497= (NM_001412734.1, NM_001412735.1); c.885C>T, p.His295= (NM_001412736.1, NM_001412738.1, NM_001412739.1 and 2 more transcripts); c.864C>T, p.His288= (NM_001412737.1).
Identifiers: ClinVar variation 3051352 (VCV003051352.2), dbSNP rs149869894, ClinGen allele CA6773305.

ClinVar aggregate classification (germline): Likely benign (0 of 4 stars; one submission).

Conditions:
ACACB-related disorder. Also called: ACACB-related condition.

Allele frequency attached by ClinVar (database versions not stated): gnomAD exomes 0.00005; ExAC 0.00006; gnomAD 0.00011; TOPMed 0.00012; ESP Exome Variant Server 0.00023.
gnomAD v4.1: 83 of 1,613,844 alleles (0.0051%); highest among the groups gnomAD compares: Middle Eastern, 0.016%; no homozygotes.

Submission:

PreventionGenetics, part of Exact Sciences
Classification: Likely benign for ACACB-related condition. Last evaluated: 2023-02-13. Review status: no assertion criteria provided. Collection method: clinical testing. Allele origin: germline.
Comment: This variant is classified as likely benign based on ACMG/AMP sequence variant interpretation guidelines (Richards et al. 2015 PMID: 25741868, with internal and published modifications).